The following is an entry in ClinVar:

NM_000218.3(KCNQ1):c.1295C>T (p.Thr432Ile)

Gene: KCNQ1 (potassium voltage-gated channel subfamily Q member 1; plus strand). Cytogenetic location: 11p15.5.
Variant type: single nucleotide variant.
Coding change: c.1295C>T on transcript NM_000218.3 (MANE Select); coding-DNA position 1295, C replaced by T.
Protein change: p.Thr432Ile; replaces threonine 432 with isoleucine.
Molecular consequence: missense variant.
Genome position (GRCh38, 1-based): chr11:2,588,756, C>T. VCF-style: chr11-2588756-C-T. GRCh37 (hg19) VCF-style: chr11-2609986-C-T.
Other names: c.1199C>T, p.Thr400Ile (NM_001406836.1); c.1025C>T, p.Thr342Ile (NM_001406837.1); c.755C>T, p.Thr252Ile (NM_001406838.1); c.914C>T, p.Thr305Ile (NM_181798.2); short protein forms T305I, T432I, T342I, T252I, T400I.
Identifiers: ClinVar variation 505109 (VCV000505109.6), dbSNP rs751644427, ClinGen allele CA028497.

ClinVar aggregate classification (germline): Uncertain significance. Review status: criteria provided, multiple submitters, no conflicts (2 of 4 stars). 2 submissions from 2 submitters: Uncertain significance (2). Last evaluated 2024-02-22.

Conditions:
Long QT syndrome (LQTS). Identifiers: MedGen C0023976, MeSH D008133, MONDO:0002442. Disease mechanism: loss of function. Inheritance: Various modes of inheritance.

Allele frequency attached by ClinVar (database versions not stated): gnomAD exomes below 0.00001 and 0.00001; TOPMed below 0.00001; ExAC 0.00002.
gnomAD v4.1: 7 of 1,613,656 alleles (0.00043%); highest among the groups gnomAD compares: South Asian, 0.0044%; no homozygotes.

Submissions (2):

All of Us Research Program, National Institutes of Health
Classification: Uncertain significance for Long QT syndrome. Last evaluated: 2024-02-22. Review status: criteria provided, single submitter. Criteria: ACMG Guidelines, 2015. Collection method: clinical testing. Allele origin: germline. Inheritance: Autosomal dominant inheritance. Observed: 1 variant allele, 1 heterozygote.
Comment: This missense variant replaces threonine with isoleucine at codon 432 of the KCNQ1 protein. Computational prediction is inconclusive regarding the impact of this variant on protein structure and function (internally defined REVEL score threshold 0.5 < inconclusive < 0.7, PMID: 27666373). To our knowledge, functional studies have not been reported for this variant. This variant has not been reported in individuals affected with KCNQ1-related disorders in the literature. This variant has been identified in 3/250850 chromosomes in the general population by the Genome Aggregation Database (gnomAD). The available evidence is insufficient to determine the role of this variant in disease conclusively. Therefore, this variant is classified as a Variant of Uncertain Significance.

This study involves interpretation of variants in research participants for the purpose of population health screening. Participant phenotype was not available at the time of variant classification. Additional details can be found in publication PMID: 35346344, PMCID: PMC8962531

Laboratory for Molecular Medicine, Mass General Brigham Personalized Medicine
Classification: Uncertain significance. Last evaluated: 2016-06-21. Review status: criteria provided, single submitter. Criteria: LMM Criteria. Collection method: clinical testing. Allele origin: germline. Observed: 1 variant allele.
Comment: The p.Thr432Ile variant in KCNQ1 has not been previously reported in individuals with hearing loss. This variant has been identified in 2/16204 South Asian chro mosomes by the Exome Aggregation Consortium (ExAC, g; dbSNP rs751644427); however, its frequency is not high enough to rule out a p athogenic role. Computational prediction tools and conservation analyses suggest that this variant may not impact the protein, though this information is not pr edictive enough to rule out pathogenicity. In summary, the clinical significance of the p.Thr432Ile variant is uncertain.